The following is an entry in ClinVar:

NM_013450.4(BAZ2B):c.3959A>T (p.Asp1320Val)

Gene: BAZ2B (bromodomain adjacent to zinc finger domain 2B; minus strand). Cytogenetic location: 2q24.2.
Variant type: single nucleotide variant.
Coding change: c.3959A>T on transcript NM_013450.4 (MANE Select); coding-DNA position 3959, A replaced by T.
Protein change: p.Asp1320Val; replaces aspartic acid 1320 with valine.
Molecular consequence: missense variant.
Genome position (GRCh38, 1-based): chr2:159,382,605, T>A on the plus strand (A>T on the coding strand, the complement: BAZ2B is on the minus strand). VCF-style: chr2-159382605-T-A. GRCh37 (hg19) VCF-style: chr2-160239116-T-A.
Other names: c.3851A>T, p.Asp1284Val (NM_001289975.1); c.3797A>T, p.Asp1266Val (NM_001329857.2); c.3884A>T, p.Asp1295Val (NM_001329858.2); short protein forms D1266V, D1284V, D1295V, D1320V.
Identifiers: ClinVar variation 3041069 (VCV003041069.2), dbSNP rs117569106, ClinGen allele CA1924236.

ClinVar aggregate classification (germline): Benign (0 of 4 stars; one submission).

Conditions:
BAZ2B-related disorder. Also called: BAZ2B-related condition.

Allele frequency attached by ClinVar (database versions not stated): gnomAD exomes 0.00086; gnomAD 0.00115; TOPMed 0.00140; ExAC 0.00168; 1000 Genomes Project 30x 0.00500; 1000 Genomes Project 0.00539.
gnomAD v4.1: 1,399 of 1,557,368 alleles (0.09%); highest among the groups gnomAD compares: East Asian, 3%; 27 homozygotes.

Submission:

PreventionGenetics, part of Exact Sciences
Classification: Benign for BAZ2B-related condition. Last evaluated: 2019-03-26. Review status: no assertion criteria provided. Collection method: clinical testing. Allele origin: germline.
Comment: This variant is classified as benign based on ACMG/AMP sequence variant interpretation guidelines (Richards et al. 2015 PMID: 25741868, with internal and published modifications).